The following is an entry in ClinVar:

NM_015474.4(SAMHD1):c.571A>C (p.Ile191Leu)

Gene: SAMHD1 (SAM and HD domain containing deoxynucleoside triphosphate triphosphohydrolase 1; minus strand). Cytogenetic location: 20q11.23.
Variant type: single nucleotide variant.
Coding change: c.571A>C on transcript NM_015474.4 (MANE Select); coding-DNA position 571, A replaced by C.
Protein change: p.Ile191Leu; replaces isoleucine 191 with leucine.
Molecular consequence: missense variant.
Genome position (GRCh38, 1-based): chr20:36,930,814, T>G on the plus strand (A>C on the coding strand, the complement: SAMHD1 is on the minus strand). VCF-style: chr20-36930814-T-G. GRCh37 (hg19) VCF-style: chr20-35559217-T-G.
Other names: c.571A>C, p.Ile191Leu (NM_001363729.2, NM_001363733.2); short protein forms I191L.
Identifiers: ClinVar variation 1470785 (VCV001470785.6), dbSNP rs1303667371, ClinGen allele CA408822135.

ClinVar aggregate classification (germline): Uncertain significance (1 of 4 stars; one submission).

Conditions:
Aicardi-Goutieres syndrome 5. Identifiers: Orphanet 51, MedGen C2749659, MONDO:0013059, OMIM 612952.

Allele frequency attached by ClinVar (database versions not stated): gnomAD exomes below 0.00001.
gnomAD v4.1: 6 of 1,614,080 alleles (0.00037%); highest among the groups gnomAD compares: Non-Finnish European, 0.00051%; no homozygotes.

Submission:

Labcorp Genetics (formerly Invitae), Labcorp
Classification: Uncertain significance for Aicardi-Goutieres syndrome 5. Last evaluated: 2021-12-19. Review status: criteria provided, single submitter. Criteria: Invitae Variant Classification Sherloc (09022015). Collection method: clinical testing. Allele origin: germline.
Comment: In summary, the available evidence is currently insufficient to determine the role of this variant in disease. Therefore, it has been classified as a Variant of Uncertain Significance. Algorithms developed to predict the effect of missense changes on protein structure and function output the following: SIFT: "Tolerated"; PolyPhen-2: "Possibly Damaging"; Align-GVGD: "Class C0". The leucine amino acid residue is found in multiple mammalian species, which suggests that this missense change does not adversely affect protein function. This variant has not been reported in the literature in individuals affected with SAMHD1-related conditions. This variant is present in population databases (no rsID available, gnomAD 0.0009%). This sequence change replaces isoleucine, which is neutral and non-polar, with leucine, which is neutral and non-polar, at codon 191 of the SAMHD1 protein (p.Ile191Leu).